The following is an entry in ClinVar:

ClinVar aggregate classification (germline): Uncertain significance. Review status: criteria provided, multiple submitters, no conflicts (2 of 4 stars). 2 submissions from 2 submitters: Uncertain significance (2). Last evaluated 2026-02-27.

Conditions:
Cardiovascular phenotype. Identifiers: MedGen CN230736.

Submissions (2):

Ambry Genetics
Classification: Uncertain significance for Cardiovascular phenotype. Last evaluated: 2026-02-27. Review status: criteria provided, single submitter. Criteria: Ambry Variant Classification Scheme 2023. Collection method: clinical testing. Allele origin: germline.

GeneDx
Classification: Uncertain significance. Last evaluated: 2025-05-13. Review status: criteria provided, single submitter. Criteria: GeneDx Variant Classification Process June 2021. Collection method: clinical testing. Allele origin: germline. Affected: yes.
Comment: Not observed at significant frequency in large population cohorts (gnomAD); In silico analysis supports that this missense variant has a deleterious effect on protein structure/function; Has not been previously published as pathogenic or benign to our knowledge

NM_004415.4(DSP):c.2396T>C (p.Leu799Pro)

Gene: DSP (desmoplakin; plus strand). Cytogenetic location: 6p24.3.
Variant type: single nucleotide variant.
Coding change: c.2396T>C on transcript NM_004415.4 (MANE Select); coding-DNA position 2396, T replaced by C.
Protein change: p.Leu799Pro; replaces leucine 799 with proline.
Molecular consequence: missense variant.
Genome position (GRCh38, 1-based): chr6:7,574,755, T>C. VCF-style: chr6-7574755-T-C. GRCh37 (hg19) VCF-style: chr6-7574988-T-C.
Other names: c.2396T>C, p.Leu799Pro (NM_001008844.3, NM_001319034.2); short protein forms L799P.
Identifiers: ClinVar variation 4529935 (VCV004529935.2).
Genomic context (GRCh38, chr6:7,574,755, plus strand): 5'-AAACAGAAGACATGTTAAAGGTTTATGAAGCCAGGCTCACTGAGGAGGAAACTGTCTGCC[T>C]GGACCTGGATAAAGTGGAAGCTTACCGCTGTGGACTGAAGGTAACTTGAAAGCTTATAAC-3'
Protein context (NP_004406.2, residues 789-809): ARLTEEETVC[Leu799Pro]DLDKVEAYRC